The following is an entry in ClinVar:

NM_198578.4(LRRK2):c.4689G>T (p.Gln1563His)

Gene: LRRK2 (leucine rich repeat kinase 2; plus strand). Cytogenetic location: 12q12.
Variant type: single nucleotide variant.
Coding change: c.4689G>T on transcript NM_198578.4 (MANE Select); coding-DNA position 4689, G replaced by T.
Protein change: p.Gln1563His; replaces glutamine 1563 with histidine.
Molecular consequence: missense variant.
Genome position (GRCh38, 1-based): chr12:40,314,124, G>T. VCF-style: chr12-40314124-G-T. GRCh37 (hg19) VCF-style: chr12-40707926-G-T.
Other names: short protein forms Q1563H.
Identifiers: ClinVar variation 2453128 (VCV002453128.2), dbSNP rs540432454, ClinGen allele CA384419056.

ClinVar aggregate classification (germline): Uncertain significance (1 of 4 stars; one submission).

Conditions:
Inborn genetic diseases. Identifiers: MedGen C0950123, MeSH D030342.

Submission:

Ambry Genetics
Classification: Uncertain significance for Inborn genetic diseases. Last evaluated: 2023-02-24. Review status: criteria provided, single submitter. Criteria: Ambry Variant Classification Scheme 2023. Collection method: clinical testing. Allele origin: germline.
Comment: The p.Q1563H variant (also known as c.4689G>T), located in coding exon 32 of the LRRK2 gene, results from a G to T substitution at nucleotide position 4689. The glutamine at codon 1563 is replaced by histidine, an amino acid with highly similar properties. This amino acid position is conserved. In addition, this alteration is predicted to be tolerated by in silico analysis. Since supporting evidence is limited at this time, the clinical significance of this alteration remains unclear.